The following is an entry in ClinVar:

NM_000179.3(MSH6):c.77G>C (p.Arg26Thr)

Gene: MSH6 (mutS homolog 6; plus strand). Cytogenetic location: 2p16.3.
Variant type: single nucleotide variant.
Coding change: c.77G>C on transcript NM_000179.3 (MANE Select); coding-DNA position 77, G replaced by C.
Protein change: p.Arg26Thr; replaces arginine 26 with threonine.
Molecular consequence: missense variant. On other transcripts: 5 prime UTR variant (1).
Genome position (GRCh38, 1-based): chr2:47,783,310, G>C. VCF-style: chr2-47783310-G-C. GRCh37 (hg19) VCF-style: chr2-48010449-G-C.
Other names: c.77G>C, p.Arg26Thr (NM_001281492.2); c.-660G>C (NM_001281493.2); short protein forms R26T.
Identifiers: ClinVar variation 849042 (VCV000849042.12), dbSNP rs1472227590, ClinGen allele CA346734792.

ClinVar aggregate classification (germline): Conflicting classifications of pathogenicity. Review status: criteria provided, conflicting classifications (1 of 4 stars). 3 submissions from 3 submitters: Uncertain significance (2); Likely benign (1). Last evaluated 2024-09-21.

Conditions:
Lynch syndrome. Identifiers: Orphanet 144, MedGen C4552100, MONDO:0005835. Disease mechanism: loss of function.
Hereditary cancer-predisposing syndrome. Also called: Tumor predisposition; Neoplastic Syndromes, Hereditary; Hereditary neoplastic syndrome; Hereditary Cancer Syndrome. Identifiers: Orphanet 140162, MedGen C0027672, MeSH D009386, MONDO:0015356.
Hereditary nonpolyposis colorectal neoplasms. Identifiers: MedGen C0009405, MeSH D003123.

Allele frequency attached by ClinVar (database versions not stated): gnomAD exomes below 0.00001; TOPMed below 0.00001.

Submissions (3):

Ambry Genetics
Classification: Uncertain significance for Hereditary cancer-predisposing syndrome. Last evaluated: 2024-09-21. Review status: criteria provided, single submitter. Criteria: Ambry Variant Classification Scheme 2023. Collection method: clinical testing. Allele origin: germline.
Comment: The p.R26T variant (also known as c.77G>C), located in coding exon 1 of the MSH6 gene, results from a G to C substitution at nucleotide position 77. The arginine at codon 26 is replaced by threonine, an amino acid with similar properties. This amino acid position is conserved. In addition, this alteration is predicted to be tolerated by in silico analysis. Based on the available evidence, the clinical significance of this variant remains unclear.

Labcorp Genetics (formerly Invitae), Labcorp
Classification: Likely benign for Hereditary nonpolyposis colorectal neoplasms. Last evaluated: 2024-05-06. Review status: criteria provided, single submitter. Criteria: Invitae Variant Classification Sherloc (09022015). Collection method: clinical testing. Allele origin: germline.

All of Us Research Program, National Institutes of Health
Classification: Uncertain significance for Lynch syndrome. Last evaluated: 2023-12-13. Review status: criteria provided, single submitter. Criteria: ACMG Guidelines, 2015. Collection method: clinical testing. Allele origin: germline. Inheritance: Autosomal dominant inheritance. Observed: 1 variant allele, 1 heterozygote.
Comment: This missense variant replaces arginine with threonine at codon 26 of the MSH6 protein. Computational prediction suggests that this variant may not impact protein structure and function (internally defined REVEL score threshold <= 0.5, PMID: 27666373). To our knowledge, functional studies have not been reported for this variant. This variant has not been reported in individuals affected with MSH6-related disorders in the literature. This variant has been identified in 1/31326 chromosomes in the general population by the Genome Aggregation Database (gnomAD). The available evidence is insufficient to determine the role of this variant in disease conclusively. Therefore, this variant is classified as a Variant of Uncertain Significance.

This study involves interpretation of variants in research participants for the purpose of population health screening. Participant phenotype was not available at the time of variant classification. Additional details can be found in publication PMID: 35346344, PMCID: PMC8962531